The following is an entry in ClinVar:

ClinVar aggregate classification (germline): Uncertain significance (1 of 4 stars; one submission).

Conditions:
Cardiovascular phenotype. Identifiers: MedGen CN230736.

Submission:

Ambry Genetics
Classification: Uncertain significance for Cardiovascular phenotype. Last evaluated: 2025-10-26. Review status: criteria provided, single submitter. Criteria: Ambry Variant Classification Scheme 2023. Collection method: clinical testing. Allele origin: germline.
Comment: The p.S721G variant (also known as c.2161A>G), located in coding exon 1 of the ZNF469 gene, results from an A to G substitution at nucleotide position 2161. The serine at codon 721 is replaced by glycine, an amino acid with similar properties. This amino acid position is conserved. In addition, this alteration is predicted to be tolerated by in silico analysis. Based on the available evidence, the clinical significance of this variant remains unclear.

NM_001127464.1:c.2161A>G

Gene: ZNF469 (zinc finger protein 469; plus strand).
Variant type: single nucleotide variant.
Identifiers: ClinVar variation 4615470 (VCV004615470.1).